The following is an entry in ClinVar:

NM_000350.3(ABCA4):c.1493A>G (p.Asp498Gly)

Gene: ABCA4 (ATP binding cassette subfamily A member 4; minus strand). Cytogenetic location: 1p22.1.
Variant type: single nucleotide variant.
Coding change: c.1493A>G on transcript NM_000350.3 (MANE Select); coding-DNA position 1493, A replaced by G.
Protein change: p.Asp498Gly; replaces aspartic acid 498 with glycine.
Molecular consequence: missense variant.
Genome position (GRCh38, 1-based): chr1:94,077,751, T>C on the plus strand (A>G on the coding strand, the complement: ABCA4 is on the minus strand). VCF-style: chr1-94077751-T-C. GRCh37 (hg19) VCF-style: chr1-94543307-T-C.
Other names: c.1493A>G, p.Asp498Gly (NM_001425324.1); short protein forms D498G.
Identifiers: ClinVar variation 298259 (VCV000298259.13), dbSNP rs147135304, ClinGen allele CA958515.

ClinVar aggregate classification (germline): Uncertain significance. Review status: criteria provided, multiple submitters, no conflicts (2 of 4 stars). 5 submissions from 5 submitters: Uncertain significance (5). Last evaluated 2026-01-21.

Conditions:
Inborn genetic diseases. Identifiers: MedGen C0950123, MeSH D030342.
ABCA4-related disorder. Also called: ABCA4-related disorders; ABCA4-related condition. Identifiers: MedGen CN239167.

Allele frequency attached by ClinVar (database versions not stated): ESP Exome Variant Server 0.00015; gnomAD 0.00003; ExAC 0.00005; gnomAD exomes 0.00005 and 0.00009; TOPMed 0.00007.
gnomAD v4.1: 130 of 1,614,028 alleles (0.0081%); highest among the groups gnomAD compares: Non-Finnish European, 0.011%; no homozygotes.

Submissions (5):

Labcorp Genetics (formerly Invitae), Labcorp
Classification: Uncertain significance. Last evaluated: 2026-01-21. Review status: criteria provided, single submitter. Criteria: Invitae Variant Classification Sherloc (09022015). Collection method: clinical testing. Allele origin: germline.
Comment: This sequence change replaces aspartic acid, which is acidic and polar, with glycine, which is neutral and non-polar, at codon 498 of the ABCA4 protein (p.Asp498Gly). This variant is present in population databases (rs147135304, gnomAD 0.01%). This variant has not been reported in the literature in individuals affected with ABCA4-related conditions. ClinVar contains an entry for this variant (Variation ID: 298259). Invitae Evidence Modeling of protein sequence and biophysical properties (such as structural, functional, and spatial information, amino acid conservation, physicochemical variation, residue mobility, and thermodynamic stability) indicates that this missense variant is expected to disrupt ABCA4 protein function with a positive predictive value of 95%. In summary, the available evidence is currently insufficient to determine the role of this variant in disease. Therefore, it has been classified as a Variant of Uncertain Significance.

Ambry Genetics
Classification: Uncertain significance for Inborn genetic diseases. Last evaluated: 2025-10-22. Review status: criteria provided, single submitter. Criteria: Ambry Variant Classification Scheme 2023. Collection method: clinical testing. Allele origin: germline.

Blueprint Genetics
Classification: Uncertain significance. Last evaluated: 2024-11-07. Review status: criteria provided, single submitter. Criteria: ACMG Guidelines, 2015. Collection method: clinical testing. Allele origin: germline.

GeneDx
Classification: Uncertain significance. Last evaluated: 2019-07-22. Review status: criteria provided, single submitter. Criteria: GeneDx Variant Classification Process June 2021. Collection method: clinical testing. Allele origin: germline. Affected: yes.
Comment: In silico analysis, which includes protein predictors and evolutionary conservation, supports that this variant does not alter protein structure/function; Has not been previously published as pathogenic or benign to our knowledge

Illumina Laboratory Services, Illumina
Classification: Uncertain significance for ABCA4-Related Disorders. Last evaluated: 2018-01-13. Review status: criteria provided, single submitter. Criteria: ICSL Variant Classification Criteria 13 December 2019. Collection method: clinical testing. Allele origin: germline.